The following is an entry in ClinVar:

ClinVar aggregate classification (germline): Uncertain significance. Review status: criteria provided, multiple submitters, no conflicts (2 of 4 stars). 2 submissions from 2 submitters: Uncertain significance (2). Last evaluated 2025-10-07.

Conditions:
Transcobalamin I deficiency (TCN1D). Also called: TCN1 DEFICIENCY; COBALAMIN PSEUDODEFICIENCY DUE TO TRANSCOBALAMIN DEFICIENCY; COBALAMIN R BINDER PROTEIN DEFICIENCY. Identifiers: Orphanet 2967, MedGen C0342700, MONDO:0008659, OMIM 193090.

gnomAD v4.1: 2 of 1,613,894 alleles (0.00012%); highest among the groups gnomAD compares: Admixed American, 0.0033%; no homozygotes.

Submissions (2):

Ambry Genetics
Classification: Uncertain significance. Last evaluated: 2025-10-07. Review status: criteria provided, single submitter. Criteria: Ambry Variant Classification Scheme 2023. Collection method: clinical testing. Allele origin: germline.

Labcorp Genetics (formerly Invitae), Labcorp
Classification: Uncertain significance for Transcobalamin I deficiency. Last evaluated: 2021-11-13. Review status: criteria provided, single submitter. Criteria: Invitae Variant Classification Sherloc (09022015). Collection method: clinical testing. Allele origin: germline.
Comment: This sequence change replaces proline, which is neutral and non-polar, with threonine, which is neutral and polar, at codon 38 of the TCN1 protein (p.Pro38Thr). This variant is not present in population databases (gnomAD no frequency). This variant has not been reported in the literature in individuals affected with TCN1-related conditions. Algorithms developed to predict the effect of missense changes on protein structure and function are either unavailable or do not agree on the potential impact of this missense change (SIFT: "Tolerated"; PolyPhen-2: "Probably Damaging"; Align-GVGD: "Class C0"). In summary, the available evidence is currently insufficient to determine the role of this variant in disease. Therefore, it has been classified as a Variant of Uncertain Significance.

NM_001062.4(TCN1):c.112C>A (p.Pro38Thr)

Gene: TCN1 (transcobalamin 1; minus strand). Cytogenetic location: 11q12.1.
Variant type: single nucleotide variant.
Coding change: c.112C>A on transcript NM_001062.4 (MANE Select); coding-DNA position 112, C replaced by A.
Protein change: p.Pro38Thr; replaces proline 38 with threonine.
Molecular consequence: missense variant.
Genome position (GRCh38, 1-based): chr11:59,864,054, G>T on the plus strand (C>A on the coding strand, the complement: TCN1 is on the minus strand). VCF-style: chr11-59864054-G-T. GRCh37 (hg19) VCF-style: chr11-59631527-G-T.
Other names: c.112C>A (NM_001062.3); short protein forms P38T.
Identifiers: ClinVar variation 1424205 (VCV001424205.6), dbSNP rs1853046279, ClinGen allele CA380809501.